The following is an entry in ClinVar:

ClinVar aggregate classification (germline): Uncertain significance (0 of 4 stars; one submission).

Conditions:
Macrothrombocytopenia, isolated, 1, autosomal dominant (MACTHC1). Also called: Autosomal dominant macrothrombocytopenia TUBB1-related. Identifiers: Orphanet 140957, MedGen C5676892, MONDO:0800047, OMIM 613112.

Allele frequency attached by ClinVar (database versions not stated): gnomAD exomes below 0.00001.

Submission:

ISTH-SSC Genomics in Thrombosis and Hemostasis, KU Leuven, Center for Molecular and Vascular Biology
Classification: Uncertain significance for Macrothrombocytopenia, isolated, 1, autosomal dominant. Review status: no assertion criteria provided. Collection method: research. Allele origin: unknown. Affected: yes.
Comment: Submitted to GoldVariant by Dr Karyn Mégy from NIHR Bioresource - Cambridge University, UK

NM_030773.4(TUBB1):c.37G>A (p.Gly13Ser)

Gene: TUBB1 (tubulin beta 1 class VI; plus strand). Cytogenetic location: 20q13.32.
Variant type: single nucleotide variant.
Coding change: c.37G>A on transcript NM_030773.4 (MANE Select); coding-DNA position 37, G replaced by A.
Protein change: p.Gly13Ser; replaces glycine 13 with serine.
Molecular consequence: missense variant.
Genome position (GRCh38, 1-based): chr20:59,019,559, G>A. VCF-style: chr20-59019559-G-A. GRCh37 (hg19) VCF-style: chr20-57594614-G-A.
Other names: short protein forms G13S.
Identifiers: ClinVar variation 1684404 (VCV001684404.1), dbSNP rs2146372976, ClinGen allele CA409465738.